The following is an entry in ClinVar:

NM_014425.5(INVS):c.2695C>T (p.Arg899Ter)

Gene: INVS (inversin; plus strand). Cytogenetic location: 9q31.1.
Variant type: single nucleotide variant.
Coding change: c.2695C>T on transcript NM_014425.5 (MANE Select); coding-DNA position 2695, C replaced by T.
Protein change: p.Arg899Ter; replaces arginine 899 with a stop codon.
Molecular consequence: nonsense. On other transcripts: non-coding transcript variant (1).
Genome position (GRCh38, 1-based): chr9:100,292,952, C>T. VCF-style: chr9-100292952-C-T. GRCh37 (hg19) VCF-style: chr9-103055234-C-T.
Other names: p.Arg899*; c.2407C>T, p.Arg803Ter (NM_001318381.2); c.1717C>T, p.Arg573Ter (NM_001318382.2); short protein forms R899*, R573*, R803*.
Identifiers: ClinVar variation 11962 (VCV000011962.29), dbSNP rs200844390, ClinGen allele CA121813.

ClinVar aggregate classification (germline): Pathogenic/Likely pathogenic. Review status: criteria provided, multiple submitters, no conflicts (2 of 4 stars). 16 submissions from 16 submitters: Pathogenic (12); Likely pathogenic (1). 3 of the submissions do not count toward it. Last evaluated 2026-08-26.

Conditions:
INVS-related disorders.
INVS-related disorder. Also called: INVS-related condition.
Nephronophthisis. Also called: Juvenile Nephronophthisis. Identifiers: Orphanet 655, MedGen C0687120, MONDO:0019005, HP:0000090.
Infantile nephronophthisis (NPHP2). Also called: Nephronophthisis 2, infantile; Nephronophthisis 2. Identifiers: Orphanet 655, Orphanet 93591, MedGen C1865872, MONDO:0011190, OMIM 602088.

Allele frequency attached by ClinVar (database versions not stated): gnomAD 0.00009; TOPMed 0.00013; ESP Exome Variant Server 0.00008.
gnomAD v4.1: 153 of 1,612,784 alleles (0.0095%); highest among the groups gnomAD compares: Non-Finnish European, 0.012%; no homozygotes.

Submissions (16):

GeneDx
Classification: Pathogenic. Last evaluated: 2026-08-26. Review status: criteria provided, single submitter. Criteria: GeneDx Variant Classification Process June 2021. Collection method: clinical testing. Allele origin: germline.
Comment: Nonsense variant predicted to result in protein truncation or nonsense mediated decay in a gene for which loss of function is a known mechanism of disease; This variant is associated with the following publications: (PMID: 18076122, 25525159, 20798123, 23559409, 21866095, 34426522, 31589614, 35368817, 33532864, 36939041, 34493867, 31980526, 37230223, 19177160, 12872123)

PreventionGenetics, part of Exact Sciences
Classification: Pathogenic for INVS-related condition. Last evaluated: 2026-02-16. Review status: criteria provided, single submitter. Criteria: ACMG Guidelines, 2015. Collection method: clinical testing. Allele origin: germline.
Comment: The INVS c.2695C>T variant is predicted to result in premature protein termination (p.Arg899*). This variant has been reported in individuals with nephronophthisis (Otto et al. 2003. PubMed ID: 12872123; Chaki et al. 2011. PubMed ID: 21866095; Supplemental Data 1, Hou et al. 2020. PubMed ID: 31980526). This variant is reported in 0.011% of alleles in individuals of European (Non-Finnish) descent in gnomAD. Nonsense variants in INVS are expected to be pathogenic. This variant is interpreted as pathogenic.

Dasa
Classification: Pathogenic. Last evaluated: 2026-02-10. Review status: criteria provided, single submitter. Criteria: DASA Assertion Criteria. Collection method: clinical testing. Allele origin: germline.
Comment: NM_014425.5(INVS):c.2695C>T (p.Arg899*) introduces a premature termination codon predicted to result in loss of normal protein function. Loss-of-function is an established mechanism of disease for this gene. Segregation evidence has been reported in affected families. This variant has been observed in affected individuals with related phenotype in a genotype context consistent with recessive disease (PMID: 20798123). This variant has been reported in individuals with related phenotype (PMID: 20798123). The variant is present at low frequency in population datasets. Based on the available data, this variant is classified as pathogenic.

Mayo Clinic Laboratories, Mayo Clinic
Classification: Pathogenic. Last evaluated: 2025-05-16. Review status: criteria provided, single submitter. Criteria: ACMG Guidelines, 2015. Collection method: clinical testing. Allele origin: germline. Observed: 1 variant allele.
Comment: PM2_supporting, PM3_strong, PVS1

Labcorp Genetics (formerly Invitae), Labcorp
Classification: Pathogenic for Nephronophthisis. Last evaluated: 2025-04-20. Review status: criteria provided, single submitter. Criteria: Invitae Variant Classification Sherloc (09022015). Collection method: clinical testing. Allele origin: germline.
Comment: This sequence change creates a premature translational stop signal (p.Arg899*) in the INVS gene. It is expected to result in an absent or disrupted protein product. Loss-of-function variants in INVS are known to be pathogenic (PMID: 12872123). This variant is present in population databases (rs200844390, gnomAD 0.01%). This premature translational stop signal has been observed in individuals with nephronophthisis-associated ciliopathies (PMID: 12872123, 21866095). ClinVar contains an entry for this variant (Variation ID: 11962). For these reasons, this variant has been classified as Pathogenic.

Gharavi Laboratory, Columbia University
Classification: Likely pathogenic for Nephronophthisis 2. Last evaluated: 2024-11-05. Review status: criteria provided, single submitter. Criteria: ACMG Guidelines, 2015. Collection method: case-control. Allele origin: germline. Affected: yes.

Blueprint Genetics
Classification: Pathogenic for INVS-related disorders. Last evaluated: 2024-07-25. Review status: criteria provided, single submitter. Criteria: ACMG Guidelines, 2015. Collection method: clinical testing. Allele origin: germline. Affected: yes. Observed: 5 variant alleles.

Fulgent Genetics
Classification: Pathogenic for Infantile nephronophthisis. Last evaluated: 2024-03-08. Review status: criteria provided, single submitter. Criteria: ACMG Guidelines, 2015. Collection method: clinical testing. Allele origin: germline.

Department of Pathology and Laboratory Medicine, Sinai Health System
Classification: Pathogenic for Infantile nephronophthisis. Last evaluated: 2023-09-13. Review status: criteria provided, single submitter. Criteria: ACMG Guidelines, 2015. Collection method: research. Allele origin: germline.

Molecular Biology Laboratory, Fundació Puigvert
Classification: Pathogenic for Infantile nephronophthisis. Last evaluated: 2020-02-01. Review status: criteria provided, single submitter. Criteria: ACMG Guidelines, 2015. Collection method: research. Allele origin: maternal. Affected: yes. Study: KidneyPanel_2020.

Baylor Genetics
Classification: Pathogenic for Infantile nephronophthisis. Last evaluated: 2018-12-04. Review status: criteria provided, single submitter. Criteria: ACMG Guidelines, 2015. Collection method: clinical testing. Allele origin: inherited. Affected: yes.
Comment: This variant was determined to be pathogenic according to ACMG Guidelines, 2015 [PMID:25741868]. This variant has been previously reported as disease-causing [PMID 12872123, 21866095, 25525159]

Illumina Laboratory Services, Illumina
Classification: Pathogenic for Infantile nephronophthisis. Last evaluated: 2017-04-27. Review status: criteria provided, single submitter. Criteria: ICSL Variant Classification Criteria 09 May 2019. Collection method: clinical testing. Allele origin: germline.
Comment: The INVS c.2695C>T (p.Arg899Ter) variant is a stop-gained variant that is predicted to result in premature termination of the protein. The p.Arg899Ter variant has been reported in at least five studies in which it is found in a total of eight patients with nephronophthisis, including three in a homozygous state and five in a compound heterozygous state (Otto et al. 2003, Otto et al. 2008, Tory et al. 2009, Bellavia et al. 2010, Halbritter et al. 2013). Segregation analysis confirmed co-segregation with disease in an autosomal recessive inheritance pattern in one family with two affected siblings (Bellavia et al. 2010). The p.Arg899Ter variant was absent from 292 controls and is reported at a frequency of 0.00006 in the European (non-Finnish) population of the Exome Aggregation Consortium. Based on the collective evidence and the potential impact of stop-gained variants, the p.Arg899Ter variant is classified as pathogenic for nephronophthisis. This variant was observed by ICSL as part of a predisposition screen in an ostensibly healthy population.

Juno Genomics, Hangzhou Juno Genomics, Inc
Classification: Pathogenic for Infantile nephronophthisis. Review status: criteria provided, single submitter. Criteria: ACMG Guidelines, 2015. Collection method: clinical testing. Allele origin: germline.
Comment: Absent from controls (or at extremely low frequency if recessive) in Genome Aggregation Database.;Null variant in a gene where loss of function (LOF) is a known mechanism of disease.;For recessive disorders, detected in trans with a pathogenic variant.;Patient's phenotype or family history is highly specific for a disease with a single genetic etiology.

Sydney Genome Diagnostics, Children's Hospital Westmead
Classification: Pathogenic for Nephronophthisis. Last evaluated: 2018-11-09. Review status: no assertion criteria provided. Collection method: clinical testing. Allele origin: unknown. Affected: yes. Observed: 1 variant allele, 1 compound heterozygote. Not counted in ClinVar's aggregate classification.
Comment: This variant creates a premature stop codon p.(Arg899*) and may result in a null allele due to nonsense-mediated mRNA decay. The variant has not been reported in any population databases (i.e. gnomAD, ExAC, ESP or dbSNP). The variant has been previously reported in multiple patients with nephronophthisis (Tory et al 2009 Kidney Int. 75(8):839-47; Otto et al 2003 Nat Genet. 34(4):413-20). This variant is considered to be a pathogenic according to the ACMG guidelines. (Evidence: PVS1, PM2, PM3).

OMIM
Classification: Pathogenic for NEPHRONOPHTHISIS 2. Last evaluated: 2009-04-01. Review status: no assertion criteria provided. Collection method: literature only. Allele origin: germline. Not counted in ClinVar's aggregate classification.

GeneReviews
No classification provided. Condition: Nephronophthisis. Review status: no classification provided. Collection method: literature only. Allele origin: germline. Affected: yes. Not counted in ClinVar's aggregate classification.

Literature cited by the submitters: PubMed 20798123 (cited by 3 submitters); PubMed 12872123 (cited by 5 submitters); PubMed 21866095 (cited by 3 submitters); PubMed 23559409 (cited by 3 submitters); PubMed 33532864 (cited by Mayo Clinic Laboratories, Mayo Clinic and Molecular Biology Laboratory, Fundació Puigvert); PubMed 35368817 (cited by Mayo Clinic Laboratories, Mayo Clinic); PubMed 37230223 (cited by Mayo Clinic Laboratories, Mayo Clinic); PubMed 25525159 (cited by Baylor Genetics); PubMed 19177160 (cited by Illumina Laboratory Services, Illumina and OMIM); PubMed 18076122 (cited by Illumina Laboratory Services, Illumina); NCBI Bookshelf NBK368475 (cited by GeneReviews).